The following is an entry in ClinVar:

ClinVar aggregate classification (germline): Uncertain significance (1 of 4 stars; one submission).

Conditions:
Neutropenia, severe congenital, 2, autosomal dominant. Identifiers: Orphanet 486, MedGen C2751288, MONDO:0013139, OMIM 613107.

Submission:

Labcorp Genetics (formerly Invitae), Labcorp
Classification: Uncertain significance for Neutropenia, severe congenital, 2, autosomal dominant. Last evaluated: 2020-09-24. Review status: criteria provided, single submitter. Criteria: Invitae Variant Classification Sherloc (09022015). Collection method: clinical testing. Allele origin: germline.
Comment: This variant has not been reported in the literature in individuals with GFI1-related conditions. The current clinical and genetic evidence is not sufficient to establish whether loss-of-function variants in GFI1 cause disease. In summary, the available evidence is currently insufficient to determine the role of this variant in disease. Therefore, it has been classified as a Variant of Uncertain Significance. This sequence change creates a premature translational stop signal (p.Cys155Leufs*58) in the GFI1 gene. It is expected to result in an absent or disrupted protein product. The frequency data for this variant in the population databases is considered unreliable, as metrics indicate insufficient coverage at this position in the ExAC database.

NM_005263.5(GFI1):c.461dup (p.Cys155fs)

Gene: GFI1 (growth factor independent 1 transcriptional repressor; minus strand). Cytogenetic location: 1p22.1.
Variant type: Duplication.
Coding change: c.461dup on transcript NM_005263.5 (MANE Select); coding-DNA position 461, one base duplicated (T; older notation c.461dupT).
Protein change: p.Cys155fs; shifts the reading frame from cysteine 155.
Molecular consequence: frameshift variant.
Genome position (GRCh38, 1-based): chr1:92,480,926, A duplicated on the plus strand (T on the coding strand, the reverse complement: GFI1 is on the minus strand); the first of 2 consecutive A bases (chr1:92,480,926-92,480,927); duplicating either gives the same sequence. VCF-style (leftmost placement, unchanged base first): chr1-92480925-G-GA. GRCh37 (hg19) VCF-style: chr1-92946482-G-GA.
Other names: c.461dup, p.Cys155fs (NM_001127215.3, NM_001127216.3); short protein forms C155fs.
Identifiers: ClinVar variation 1045987 (VCV001045987.6), dbSNP rs1658216855, ClinGen allele CA1180782836.